The following is an entry in ClinVar:

NM_006767.4(LZTR1):c.2149del (p.Arg717fs)

Gene: LZTR1 (leucine zipper like post translational regulator 1; plus strand). Cytogenetic location: 22q11.21.
Variant type: Deletion.
Coding change: c.2149del on transcript NM_006767.4 (MANE Select); coding-DNA position 2149, one base deleted (A; older notation c.2149delA).
Protein change: p.Arg717fs; shifts the reading frame from arginine 717.
Molecular consequence: frameshift variant.
Genome position (GRCh38, 1-based): chr22:20,996,042, A deleted. VCF-style (leftmost placement, unchanged base first): chr22-20996041-CA-C. GRCh37 (hg19) VCF-style: chr22-21350330-CA-C.
Other names: short protein forms R717fs.
Identifiers: ClinVar variation 3238209 (VCV003238209.1), dbSNP rs2518624593.

ClinVar aggregate classification (germline): Pathogenic (1 of 4 stars; one submission).

Conditions:
Hereditary cancer-predisposing syndrome. Also called: Neoplastic Syndromes, Hereditary; Tumor predisposition; Hereditary neoplastic syndrome; Hereditary Cancer Syndrome. Identifiers: Orphanet 140162, MedGen C0027672, MeSH D009386, MONDO:0015356.
Cardiovascular phenotype. Identifiers: MedGen CN230736.

Submission:

Ambry Genetics
Classification: Pathogenic for Cardiovascular phenotype; Hereditary cancer-predisposing syndrome. Last evaluated: 2023-06-02. Review status: criteria provided, single submitter. Criteria: Ambry Variant Classification Scheme 2023. Collection method: clinical testing. Allele origin: germline.
Comment: The c.2149delA variant, located in coding exon 18 of the LZTR1 gene, results from a deletion of one nucleotide at nucleotide position 2149, causing a translational frameshift with a predicted alternate stop codon (p.R717Gfs*50). This alteration is expected to result in loss of function by premature protein truncation or nonsense-mediated mRNA decay. Loss-of-function variants in LZTR1 are related to an increased risk for schwannomas and autosomal recessive Noonan syndrome; however, such associations with autosomal dominant Noonan syndrome have not been observed (Piotrowski A et al. Nat Genet. 2014 Feb;46:182-7; Yamamoto GL et al. J Med Genet. 2015 Jun;52:413-21; Johnston JJ et al. Genet Med. 2018 10;20:1175-1185). Based on the supporting evidence, this variant is pathogenic for an increased risk of LZTR1-related schwannomatosis (SWN) and would be expected to cause autosomal recessive Noonan syndrome when present along with a second pathogenic or likely pathogenic variant on the other allele; however, the association of this alteration with autosomal dominant Noonan syndrome is unlikely.